The following is an entry in ClinVar:

NM_152594.3(SPRED1):c.229A>T (p.Lys77Ter)

Gene: SPRED1 (sprouty related EVH1 domain containing 1; plus strand). Cytogenetic location: 15q14.
Variant type: single nucleotide variant.
Coding change: c.229A>T on transcript NM_152594.3 (MANE Select); coding-DNA position 229, A replaced by T.
Protein change: p.Lys77Ter; replaces lysine 77 with a stop codon.
Molecular consequence: nonsense.
Genome position (GRCh38, 1-based): chr15:38,322,262, A>T. VCF-style: chr15-38322262-A-T. GRCh37 (hg19) VCF-style: chr15-38614463-A-T.
Other names: short protein forms K77*.
Identifiers: ClinVar variation 1334310 (VCV001334310.8), dbSNP rs727504170, ClinGen allele CA202450.
Genomic context (GRCh38, chr15:38,322,262, plus strand): 5'-ATATATGTATATTAATTTTTGGTATTTGGCTTTTGTCAGGTGGTTTTGGAATGTATGCTT[A>T]AAAAAGACCTCATTTATAATAAGGTCACTCCAACATTTCACCACTGGAAGATTGATGACA-3'

ClinVar aggregate classification (germline): Pathogenic. Review status: criteria provided, multiple submitters, no conflicts (2 of 4 stars). 2 submissions from 2 submitters: Pathogenic (2). Last evaluated 2022-05-02.

Conditions:
Legius syndrome. Identifiers: Orphanet 137605, MedGen C1969623, MONDO:0012669, OMIM 611431. Disease mechanism: loss of function.
Noonan syndrome and Noonan-related syndrome. Identifiers: Orphanet 98733, MedGen C5681679, MONDO:0020297.

Submissions (2):

Labcorp Genetics (formerly Invitae), Labcorp
Classification: Pathogenic for Legius syndrome. Last evaluated: 2022-05-02. Review status: criteria provided, single submitter. Criteria: Invitae Variant Classification Sherloc (09022015). Collection method: clinical testing. Allele origin: germline.
Comment: For these reasons, this variant has been classified as Pathogenic. ClinVar contains an entry for this variant (Variation ID: 1334310). This premature translational stop signal has been observed in individual(s) with clinical features of Legius syndrome (PMID: 31370276). This variant is not present in population databases (gnomAD no frequency). This sequence change creates a premature translational stop signal (p.Lys77*) in the SPRED1 gene. It is expected to result in an absent or disrupted protein product. Loss-of-function variants in SPRED1 are known to be pathogenic (PMID: 17704776).

Genome Diagnostics Laboratory, The Hospital for Sick Children
Classification: Pathogenic for Noonan syndrome and Noonan-related syndrome. Last evaluated: 2017-05-24. Review status: criteria provided, single submitter. Criteria: ACMG Guidelines, 2015. Collection method: clinical testing. Allele origin: germline. Affected: yes.

Literature cited by the submitters: PubMed 31370276 (cited by Labcorp Genetics (formerly Invitae), Labcorp); PubMed 17704776 (cited by Labcorp Genetics (formerly Invitae), Labcorp).